The following is an entry in ClinVar:

ClinVar aggregate classification (germline): Benign. Review status: criteria provided, multiple submitters, no conflicts (2 of 4 stars). 3 submissions from 3 submitters: Benign (2). 1 of the submissions does not count toward it. Last evaluated 2018-08-30.

Conditions:
Hypertriglyceridemia 1. Also called: Hypertriglyceridemia, familial. Identifiers: MedGen C5444012, MONDO:0007788, OMIM 145750.

Allele frequency attached by ClinVar (database versions not stated): 1000 Genomes Project 0.87420; 1000 Genomes Project 30x 0.87976; gnomAD exomes 0.90119; gnomAD 0.92869 and 0.93650; TOPMed 0.92895.
gnomAD v4.1: 669,313 of 737,974 alleles (91%); highest among the groups gnomAD compares: African/African-American, 98%; 305,034 homozygotes.

Submissions (3):

GeneDx
Classification: Benign. Last evaluated: 2018-08-30. Review status: criteria provided, single submitter. Criteria: GeneDx Variant Classification Process June 2021. Collection method: clinical testing. Allele origin: germline. Affected: yes.
Comment: This variant is associated with the following publications: (PMID: 21386085, 29237685, 25151233, 25034063, 11588264, 24387992)

Breakthrough Genomics
Classification: Benign. Review status: criteria provided, single submitter. Criteria: ACMG Guidelines, 2015. Collection method: not provided. Allele origin: germline. Inheritance: Autosomal dominant inheritance. Affected: yes.

OMIM
Classification: risk factor for HYPERTRIGLYCERIDEMIA, SUSCEPTIBILITY TO, 1. Last evaluated: 2014-01-02. Review status: no assertion criteria provided. Collection method: literature only. Allele origin: germline. Not counted in ClinVar's aggregate classification.

Literature cited by the submitters: PubMed 11588264 (cited by OMIM); PubMed 12417524 (cited by OMIM); PubMed 24387992 (cited by OMIM).

NM_001371904.1(APOA5):c.*158C>T

Gene: APOA5 (apolipoprotein A5; minus strand). Cytogenetic location: 11q23.3.
Variant type: single nucleotide variant.
Coding change: c.*158C>T on transcript NM_001371904.1 (MANE Select); 158 bases downstream of the stop codon, C replaced by T.
Molecular consequence: 3 prime UTR variant.
Genome position (GRCh38, 1-based): chr11:116,789,970, G>A on the plus strand (C>T on the coding strand, the complement: APOA5 is on the minus strand). VCF-style: chr11-116789970-G-A. GRCh37 (hg19) VCF-style: chr11-116660686-G-A.
Other names: +158C-T, 3-PRIME UTR (rs2266788); c.*158C>T (NM_001166598.2, NM_052968.5).
Identifiers: ClinVar variation 127141 (VCV000127141.5), dbSNP rs2266788, ClinGen allele CA151387.